The following is an entry in ClinVar:

ClinVar aggregate classification (germline): Uncertain significance (1 of 4 stars; one submission).

Conditions:
Congenital myasthenic syndrome 4A. Also called: Myasthenic syndrome, congenital, 4a, slow-channel; MYASTHENIC SYNDROME, CONGENITAL, 4A, SLOW-CHANNEL, AUTOSOMAL RECESSIVE; CONGENITAL MYASTHENIC SYNDROME TYPE Ia1. Identifiers: Orphanet 590, MedGen C4225413, MONDO:0011600, OMIM 605809.

Submission:

Labcorp Genetics (formerly Invitae), Labcorp
Classification: Uncertain significance for Congenital myasthenic syndrome 4A. Last evaluated: 2022-05-09. Review status: criteria provided, single submitter. Criteria: Invitae Variant Classification Sherloc (09022015). Collection method: clinical testing. Allele origin: germline.
Comment: In summary, the available evidence is currently insufficient to determine the role of this variant in disease. Therefore, it has been classified as a Variant of Uncertain Significance. Advanced modeling of protein sequence and biophysical properties (such as structural, functional, and spatial information, amino acid conservation, physicochemical variation, residue mobility, and thermodynamic stability) performed at Invitae indicates that this missense variant is not expected to disrupt CHRNE protein function. This variant has not been reported in the literature in individuals affected with CHRNE-related conditions. This variant is not present in population databases (gnomAD no frequency). This sequence change replaces glutamine, which is neutral and polar, with lysine, which is basic and polar, at codon 398 of the CHRNE protein (p.Gln398Lys).

NM_000080.4(CHRNE):c.1192C>A (p.Gln398Lys)

Genes: CHRNE (cholinergic receptor nicotinic epsilon subunit; minus strand), LOC130060040 (ATAC-STARR-seq lymphoblastoid silent region 8049; plus strand). Cytogenetic location: 17p13.2.
Variant type: single nucleotide variant.
Coding change: c.1192C>A on transcript NM_000080.4 (MANE Select); coding-DNA position 1192, C replaced by A.
Protein change: p.Gln398Lys; replaces glutamine 398 with lysine.
Molecular consequence: missense variant.
Genome position (GRCh38, 1-based): chr17:4,899,225, G>T on the plus strand (C>A on the coding strand, the complement: CHRNE is on the minus strand). VCF-style: chr17-4899225-G-T. GRCh37 (hg19) VCF-style: chr17-4802520-G-T.
Other names: short protein forms Q398K.
Identifiers: ClinVar variation 2135868 (VCV002135868.4), dbSNP rs771486772, ClinGen allele CA397300147.